The following is an entry in ClinVar:

NM_005909.5(MAP1B):c.993C>T (p.Leu331=)

Gene: MAP1B (microtubule associated protein 1B; plus strand). Cytogenetic location: 5q13.2.
Variant type: single nucleotide variant.
Coding change: c.993C>T on transcript NM_005909.5 (MANE Select); coding-DNA position 993, C replaced by T.
Protein change: p.Leu331=; no amino-acid change (leucine 331 retained).
Molecular consequence: synonymous variant.
Genome position (GRCh38, 1-based): chr5:72,194,348, C>T. VCF-style: chr5-72194348-C-T. GRCh37 (hg19) VCF-style: chr5-71490175-C-T.
Other names: c.615C>T, p.Leu205= (NM_001324255.2); c.993C>T (NM_005909.4).
Identifiers: ClinVar variation 4821477 (VCV004821477.5).

ClinVar aggregate classification (germline): Likely benign. Review status: criteria provided, multiple submitters, no conflicts (2 of 4 stars). 2 submissions from 2 submitters: Likely benign (2). Last evaluated 2026-07-16.

Conditions:
MAP1B-related disorder. Also called: MAP1B-related condition.

gnomAD v4.1: 80 of 1,614,082 alleles (0.005%); highest among the groups gnomAD compares: Non-Finnish European, 0.0067%; no homozygotes.

Submissions (2):

PreventionGenetics, part of Exact Sciences
Classification: Likely benign for MAP1B-related condition. Last evaluated: 2026-07-16. Review status: criteria provided, single submitter. Criteria: ACMG Guidelines, 2015. Collection method: clinical testing. Allele origin: germline.
Comment: This variant is classified as likely benign based on ACMG/AMP sequence variant interpretation guidelines (Richards et al. 2015 PMID: 25741868, with internal and published modifications).

CeGaT Center for Human Genetics Tuebingen
Classification: Likely benign. Last evaluated: 2026-01-01. Review status: criteria provided, single submitter. Criteria: CeGaT Center For Human Genetics Tuebingen Variant Classification Criteria Version 2. Collection method: clinical testing. Allele origin: germline. Affected: yes. Observed: 1 variant allele.
Comment: MAP1B: BP4, BP7